The following is an entry in ClinVar:

ClinVar aggregate classification (germline): Uncertain significance (1 of 4 stars; one submission).

Conditions:
Charcot-Marie-Tooth disease axonal type 2O. Also called: CHARCOT-MARIE-TOOTH NEUROPATHY, AXONAL, TYPE 2O; CHARCOT-MARIE-TOOTH DISEASE, AXONAL, AUTOSOMAL DOMINANT, TYPE 2O; Charcot-Marie-Tooth Neuropathy Type 2O; Charcot-Marie-Tooth disease, axonal, type 20. Identifiers: Orphanet 284232, MedGen C3280220, MONDO:0013644, OMIM 614228.

Submission:

Labcorp Genetics (formerly Invitae), Labcorp
Classification: Uncertain significance for Charcot-Marie-Tooth disease axonal type 2O. Last evaluated: 2021-03-12. Review status: criteria provided, single submitter. Criteria: Invitae Variant Classification Sherloc (09022015). Collection method: clinical testing. Allele origin: germline.
Comment: This sequence change replaces isoleucine with phenylalanine at codon 4020 of the DYNC1H1 protein (p.Ile4020Phe). The isoleucine residue is highly conserved and there is a small physicochemical difference between isoleucine and phenylalanine. In summary, the available evidence is currently insufficient to determine the role of this variant in disease. Therefore, it has been classified as a Variant of Uncertain Significance. Advanced modeling of protein sequence and biophysical properties (such as structural, functional, and spatial information, amino acid conservation, physicochemical variation, residue mobility, and thermodynamic stability) performed at Invitae indicates that this missense variant is not expected to disrupt DYNC1H1 protein function. This variant has not been reported in the literature in individuals with DYNC1H1-related conditions. This variant is not present in population databases (ExAC no frequency).

NM_001376.5(DYNC1H1):c.12058A>T (p.Ile4020Phe)

Gene: DYNC1H1 (dynein cytoplasmic 1 heavy chain 1; plus strand). Cytogenetic location: 14q32.31.
Variant type: single nucleotide variant.
Coding change: c.12058A>T on transcript NM_001376.5 (MANE Select); coding-DNA position 12058, A replaced by T.
Protein change: p.Ile4020Phe; replaces isoleucine 4020 with phenylalanine.
Molecular consequence: missense variant.
Genome position (GRCh38, 1-based): chr14:102,041,690, A>T. VCF-style: chr14-102041690-A-T. GRCh37 (hg19) VCF-style: chr14-102508027-A-T.
Other names: short protein forms I4020F.
Identifiers: ClinVar variation 1466446 (VCV001466446.8), dbSNP rs2152596319, ClinGen allele CA391037925.
Genomic context (GRCh38, chr14:102,041,690, plus strand): 5'-CGCCTGTTGGCCATGGCCCACATGTTTGTTTCAACAAACCTTGGGGAGTCTTTCATGTCC[A>T]TCATGGAGCAGCCGCTCGACCTGACCCACATTGTGGGCACAGAGGTAATGTCCTGGTACA-3'
Protein context (NP_001367.2, residues 4010-4030): STNLGESFMS[Ile4020Phe]MEQPLDLTHI